The following is an entry in ClinVar:

ClinVar aggregate classification (germline): Conflicting classifications of pathogenicity. Review status: criteria provided, conflicting classifications (1 of 4 stars). 34 submissions from 34 submitters: Uncertain significance (1); Benign (11); Likely benign (13). 9 of the submissions do not count toward it. Last evaluated 2026-09-01.

Conditions:
Breast and/or ovarian cancer. Identifiers: MedGen CN221562.
Hereditary cancer-predisposing syndrome. Also called: Neoplastic Syndromes, Hereditary; Tumor predisposition; Hereditary neoplastic syndrome; Hereditary Cancer Syndrome. Identifiers: Orphanet 140162, MedGen C0027672, MeSH D009386, MONDO:0015356.
Hereditary breast ovarian cancer syndrome. Also called: Breast and ovarian cancer; BRCA1- and BRCA2-Associated Hereditary Breast and Ovarian Cancer; Hereditary breast and/or ovarian cancer syndrome; Hereditary breast and ovarian cancer syndrome; Hereditary breast and ovarian cancer; Hereditary breast and ovarian cancer syndrome (HBOC). Identifiers: Orphanet 145, MedGen C0677776, MeSH D061325, MONDO:0003582. Disease mechanism: loss of function.
Familial cancer of breast. Also called: Hereditary breast cancer; hereditary breast carcinoma; BREAST CANCER, FAMILIAL. Identifiers: Orphanet 227535, MedGen C0346153, MONDO:0016419, OMIM 114480. Disease mechanism: loss of function.
Ataxia-telangiectasia syndrome (AT). Also called: Ataxia-telangiectasia, complementation group D; AT, COMPLEMENTATION GROUP C; Ataxia telangiectasia (A-T); LOUIS-BAR SYNDROME; Cerebello-oculocutaneous telangiectasia; Immunodeficiency with ataxia telangiectasia. Identifiers: Orphanet 100, MedGen C0004135, MONDO:0008840, OMIM 208900.

Allele frequency attached by ClinVar (database versions not stated): TOPMed 0.00172; gnomAD exomes 0.00173 and 0.00271; gnomAD 0.00198 and 0.00200; ESP Exome Variant Server 0.00200; 1000 Genomes Project 30x 0.00094; 1000 Genomes Project 0.00120; ExAC 0.00167.
gnomAD v4.1: 4,202 of 1,613,016 alleles (0.26%); highest among the groups gnomAD compares: Non-Finnish European, 0.32%; 7 homozygotes.

Submissions 1 to 21 of 34:

CeGaT Center for Human Genetics Tuebingen
Classification: Likely benign. Last evaluated: 2026-09-01. Review status: criteria provided, single submitter. Criteria: CeGaT Center For Human Genetics Tuebingen Variant Classification Criteria Version 2. Collection method: clinical testing. Allele origin: germline. Affected: yes. Observed: 61 variant alleles.
Comment: ATM: BP4, BP7

Labcorp Genetics (formerly Invitae), Labcorp
Classification: Benign for Ataxia-telangiectasia syndrome. Last evaluated: 2026-02-03. Review status: criteria provided, single submitter. Criteria: Invitae Variant Classification Sherloc (09022015). Collection method: clinical testing. Allele origin: germline.

ARUP Laboratories, Molecular Genetics and Genomics, ARUP Laboratories
Classification: Benign. Last evaluated: 2025-06-17. Review status: criteria provided, single submitter. Criteria: ARUP Molecular Germline Variant Investigation Process 2024. Collection method: clinical testing. Allele origin: germline.

Center for Genomic Medicine, Rigshospitalet, Copenhagen University Hospital
Classification: Likely benign. Last evaluated: 2025-03-04. Review status: criteria provided, single submitter. Criteria: ACMG Guidelines, 2015. Collection method: clinical testing. Allele origin: germline.

Molecular Pathology, Peter Maccallum Cancer Centre
Classification: Likely benign for Ataxia-telangiectasia syndrome. Last evaluated: 2024-12-14. Review status: criteria provided, single submitter. Criteria: ACMG Guidelines, 2015. Collection method: clinical testing. Allele origin: germline. Inheritance: Autosomal recessive inheritance.

Blueprint Genetics
Classification: Likely benign. Last evaluated: 2024-11-27. Review status: criteria provided, single submitter. Criteria: ACMG Guidelines, 2015. Collection method: clinical testing. Allele origin: germline.

Mayo Clinic Laboratories, Mayo Clinic
Classification: Likely benign. Last evaluated: 2024-08-05. Review status: criteria provided, single submitter. Criteria: ACMG Guidelines, 2015. Collection method: clinical testing. Allele origin: germline. Observed: 17 variant alleles.
Comment: BS1, BP4, BP7

Myriad Genetics, Inc.
Classification: Benign for Familial cancer of breast. Last evaluated: 2024-04-17. Review status: criteria provided, single submitter. Criteria: Myriad Autosomal Dominant, Autosomal Recessive and X-Linked Classification Criteria (2023). Collection method: clinical testing. Allele origin: unknown.
Comment: This variant is considered benign. This variant is a silent/synonymous amino acid change and it is not expected to impact splicing.

Quest Diagnostics Nichols Institute San Juan Capistrano
Classification: Benign. Last evaluated: 2022-11-07. Review status: criteria provided, single submitter. Criteria: Quest Diagnostics criteria. Collection method: clinical testing. Allele origin: unknown.

National Health Laboratory Service, Universitas Academic Hospital and University of the Free State
Classification: Benign for Hereditary breast ovarian cancer syndrome. Last evaluated: 2022-04-19. Review status: criteria provided, single submitter. Criteria: ACMG Guidelines, 2015. Collection method: clinical testing. Allele origin: germline. Affected: yes. Observed: 1 variant allele.

CHEO Genetics Diagnostic Laboratory, Children's Hospital of Eastern Ontario
Classification: Likely benign for Breast and/or ovarian cancer. Last evaluated: 2022-02-23. Review status: criteria provided, single submitter. Criteria: ACMG Guidelines, 2015. Collection method: clinical testing. Allele origin: germline.

Genome-Nilou Lab
Classification: Likely benign for Ataxia-telangiectasia syndrome. Last evaluated: 2021-05-18. Review status: criteria provided, single submitter. Criteria: ACMG Guidelines, 2015. Collection method: clinical testing. Allele origin: germline. Affected: no.

Sema4
Classification: Benign for Hereditary cancer-predisposing syndrome. Last evaluated: 2020-07-15. Review status: criteria provided, single submitter. Criteria: Sema4 Curation Guidelines. Collection method: curation. Allele origin: germline.

Spanish ATM Cancer Susceptibility Variant Interpretation Working Group
Classification: Likely benign for Hereditary cancer-predisposing syndrome. Last evaluated: 2020-06-17. Review status: criteria provided, single submitter. Criteria: Feliubadaló L et al. (Clin Chem 2021). Collection method: clinical testing. Allele origin: germline. Affected: yes. Observed: 9 heterozygotes. Clinical features observed: Breast carcinoma, Melanoma, Ovarian cancer, Renal cancer, Bilateral breast cancer, Endometrial endometrioid adenocarcinoma.
Comment: The c.162T>C p.(Tyr54=) variant has an allele frequency of 0.00283 (0.23%, 334/ 118012 alleles) in the Non-Finnish European population of the gnomAD v2.1.1 non-cancer dataset (BS1). It is a silent variant not predicted to lead to a splicing alteration according to SPiCE, and no splicing site is created/activated according to at least 3 splicing predictors of the set SpliceSiteFinderlike – MaxEntScan – NNSplice - GeneSplicer (BP4). The variant is located at a nucleotide that is not highly conserved across species, based on PhyloP (BP7). This silent variant has been identified in two ataxia telangiectasia patients, but in one case there were also detected two (likely) pathogenic variants (PMID: 12552559) and in the other one, there was also detected an homozygous truncating variant (PMID: 28898322). This, together with the high frequency of the variant in the general population suggests that c.162T>C was just a coincident polymorphism and discards the use of PM3 and PS4 criteria. Therefore, this variant meets criteria to be classified as likely benign. Adapted ACMG/AMP rules applied as defined by the Spanish ATM working group: BS1 + BP4 + BP7 (PMID: 33280026).

Institute of Human Genetics, University of Leipzig Medical Center
Classification: Likely benign for Familial cancer of breast. Last evaluated: 2019-01-01. Review status: criteria provided, single submitter. Criteria: ACMG Guidelines, 2015. Collection method: clinical testing. Allele origin: unknown. Affected: yes.

Athena Diagnostics
Classification: Benign. Last evaluated: 2018-08-21. Review status: criteria provided, single submitter. Criteria: Athena Diagnostics Criteria. Collection method: clinical testing. Allele origin: germline.

PreventionGenetics, part of Exact Sciences
Classification: Benign. Last evaluated: 2017-08-25. Review status: criteria provided, single submitter. Criteria: ACMG Guidelines, 2015. Collection method: clinical testing. Allele origin: germline.

Clinical Genetics DNA and cytogenetics Diagnostics Lab, Erasmus MC, Erasmus Medical Center
Classification: Likely benign for Ataxia-telangiectasia syndrome. Last evaluated: 2017-06-28. Review status: criteria provided, single submitter. Criteria: ACGS Guidelines, 2013. Collection method: clinical testing. Allele origin: germline. Affected: yes. Study: VKGL Data-share Consensus.

Illumina Laboratory Services, Illumina
Classification: Uncertain significance for Ataxia-telangiectasia syndrome. Last evaluated: 2017-04-27. Review status: criteria provided, single submitter. Criteria: ICSL Variant Classification Criteria 13 December 2019. Collection method: clinical testing. Allele origin: germline.
Comment: This variant was observed as part of a predisposition screen in an ostensibly healthy population. A literature search was performed for the gene, cDNA change, and amino acid change (where applicable). Publications were found based on this search. However, the evidence from the literature, in combination with allele frequency data from public databases where available, was not sufficient to rule this variant in or out of causing disease. Therefore, this variant is classified as a variant of unknown significance.

Genetic Services Laboratory, University of Chicago
Classification: Likely benign. Last evaluated: 2017-03-15. Review status: criteria provided, single submitter. Criteria: ACMG Guidelines, 2015. Collection method: clinical testing. Allele origin: germline. Affected: no.

Eurofins Ntd Llc (ga)
Classification: Likely benign. Last evaluated: 2016-12-20. Review status: criteria provided, single submitter. Criteria: EGL Classification Definitions 2015. Collection method: clinical testing. Allele origin: germline. Observed: 1 variant allele, 1 heterozygote.

NM_000051.4(ATM):c.162T>C (p.Tyr54=)

Gene: ATM (ATM serine/threonine kinase; plus strand). Cytogenetic location: 11q22.3.
Variant type: single nucleotide variant.
Coding change: c.162T>C on transcript NM_000051.4 (MANE Select); coding-DNA position 162, T replaced by C.
Protein change: p.Tyr54=; no amino-acid change (tyrosine 54 retained).
Molecular consequence: synonymous variant.
Genome position (GRCh38, 1-based): chr11:108,227,865, T>C. VCF-style: chr11-108227865-T-C. GRCh37 (hg19) VCF-style: chr11-108098592-T-C.
Other names: p.Y54Y:TAT>TAC; NP_000042.3:p.Tyr54=; p.Tyr54=; c.162T>C, p.Tyr54= (NM_001351834.2, NM_001351835.2, NM_001351836.2).
Identifiers: ClinVar variation 132757 (VCV000132757.98), dbSNP rs3218690, ClinGen allele CA289553.